The following is an entry in ClinVar:

ClinVar aggregate classification (germline): Uncertain significance. Review status: criteria provided, multiple submitters, no conflicts (2 of 4 stars). 2 submissions from 2 submitters: Uncertain significance (2). Last evaluated 2025-02-07.

Conditions:
Peripheral neuropathy. Also called: Neuropathy. Identifiers: MedGen C0031117, MONDO:0005244, HP:0009830.

Allele frequency attached by ClinVar (database versions not stated): gnomAD 0.00012; TOPMed 0.00012; ESP Exome Variant Server 0.00015.
gnomAD v4.1: 292 of 1,612,082 alleles (0.018%); highest among the groups gnomAD compares: Non-Finnish European, 0.024%; no homozygotes.

Submissions (2):

Ambry Genetics
Classification: Uncertain significance. Last evaluated: 2025-02-07. Review status: criteria provided, single submitter. Criteria: Ambry Variant Classification Scheme 2023. Collection method: clinical testing. Allele origin: germline.

Labcorp Genetics (formerly Invitae), Labcorp
Classification: Uncertain significance for Peripheral neuropathy. Last evaluated: 2017-11-07. Review status: criteria provided, single submitter. Criteria: Invitae Variant Classification Sherloc (09022015). Collection method: clinical testing. Allele origin: germline.
Comment: This sequence change replaces glutamic acid with glutamine at codon 374 of the FLRT1 protein (p.Glu374Gln). The glutamic acid residue is highly conserved and there is a small physicochemical difference between glutamic acid and glutamine. In summary, the available evidence is currently insufficient to determine the role of this variant in disease. Therefore, it has been classified as a Variant of Uncertain Significance. Algorithms developed to predict the effect of missense changes on protein structure and function (SIFT, PolyPhen-2, Align-GVGD) all suggest that this variant is likely to be tolerated, but these predictions have not been confirmed by published functional studies and their clinical significance is uncertain. This variant has not been reported in the literature in individuals with FLRT1-related disease. This variant is present in population databases (rs138445479, ExAC 0.03%).

NM_013280.5(FLRT1):c.1120G>C (p.Glu374Gln)

Genes: FLRT1 (fibronectin leucine rich transmembrane protein 1; plus strand), MACROD1 (mono-ADP ribosylhydrolase 1; minus strand). Cytogenetic location: 11q13.1.
Variant type: single nucleotide variant.
Coding change: c.1120G>C on transcript NM_013280.5 (MANE Select); coding-DNA position 1120, G replaced by C.
Protein change: p.Glu374Gln; replaces glutamic acid 374 with glutamine.
Molecular consequence: missense variant. On other transcripts: intron variant (2).
Genome position (GRCh38, 1-based): chr11:64,117,387, G>C. VCF-style: chr11-64117387-G-C. GRCh37 (hg19) VCF-style: chr11-63884859-G-C.
Other names: c.1120G>C, p.Glu374Gln (NM_001384466.1); c.1036G>C, p.Glu346Gln (NM_001423967.1); c.517+33852C>G (NM_001411019.1, NM_014067.4); short protein forms E374Q, E346Q.
Identifiers: ClinVar variation 530941 (VCV000530941.10), dbSNP rs138445479, ClinGen allele CA6067618.